The following is an entry in ClinVar:

NM_000540.3(RYR1):c.14240C>T (p.Ala4747Val)

Gene: RYR1 (ryanodine receptor 1; plus strand). Cytogenetic location: 19q13.2.
Variant type: single nucleotide variant.
Coding change: c.14240C>T on transcript NM_000540.3 (MANE Select); coding-DNA position 14240, C replaced by T.
Protein change: p.Ala4747Val; replaces alanine 4747 with valine.
Molecular consequence: missense variant.
Genome position (GRCh38, 1-based): chr19:38,577,985, C>T. VCF-style: chr19-38577985-C-T. GRCh37 (hg19) VCF-style: chr19-39068625-C-T.
Other names: c.14225C>T, p.Ala4742Val (NM_001042723.2); short protein forms A4742V, A4747V.
Identifiers: ClinVar variation 3898670 (VCV003898670.7).
Genomic context (GRCh38, chr19:38,577,985, plus strand): 5'-ACAAACATGGGGACATCTACGGGCGGGAGCGGATTGCTGAGCTACTGGGCATGGACCTGG[C>T]CACACTAGAGATCACAGCCCACAATGAGCGCAAGCCCAACCCGCCGCCAGGGCTGCTGAC-3'
Protein context (NP_000531.2, residues 4737-4757): RIAELLGMDL[Ala4747Val]TLEITAHNER

ClinVar aggregate classification (germline): Uncertain significance (1 of 4 stars; one submission).

Submission:

CeGaT Center for Human Genetics Tuebingen
Classification: Uncertain significance. Last evaluated: 2025-04-01. Review status: criteria provided, single submitter. Criteria: CeGaT Center For Human Genetics Tuebingen Variant Classification Criteria Version 2. Collection method: clinical testing. Allele origin: germline. Affected: yes. Observed: 1 variant allele.
Comment: RYR1: PM2